The following is an entry in ClinVar:

ClinVar aggregate classification (germline): Uncertain significance. Review status: criteria provided, multiple submitters, no conflicts (2 of 4 stars). 2 submissions from 2 submitters: Uncertain significance (2). Last evaluated 2025-01-05.

Conditions:
Inborn genetic diseases. Identifiers: MedGen C0950123, MeSH D030342.

Allele frequency attached by ClinVar (database versions not stated): TOPMed 0.00001; gnomAD 0.00003.
gnomAD v4.1: 27 of 1,612,680 alleles (0.0017%); highest among the groups gnomAD compares: Middle Eastern, 0.049%; no homozygotes.

Submissions (2):

Labcorp Genetics (formerly Invitae), Labcorp
Classification: Uncertain significance. Last evaluated: 2025-01-05. Review status: criteria provided, single submitter. Criteria: Invitae Variant Classification Sherloc (09022015). Collection method: clinical testing. Allele origin: germline.
Comment: This sequence change replaces phenylalanine, which is neutral and non-polar, with leucine, which is neutral and non-polar, at codon 292 of the POLR1A protein (p.Phe292Leu). This variant is present in population databases (rs753486574, gnomAD 0.02%). This variant has not been reported in the literature in individuals affected with POLR1A-related conditions. ClinVar contains an entry for this variant (Variation ID: 2084545). Invitae Evidence Modeling of protein sequence and biophysical properties (such as structural, functional, and spatial information, amino acid conservation, physicochemical variation, residue mobility, and thermodynamic stability) indicates that this missense variant is expected to disrupt POLR1A protein function with a positive predictive value of 80%. In summary, the available evidence is currently insufficient to determine the role of this variant in disease. Therefore, it has been classified as a Variant of Uncertain Significance.

Ambry Genetics
Classification: Uncertain significance for Inborn genetic diseases. Last evaluated: 2024-12-10. Review status: criteria provided, single submitter. Criteria: Ambry Variant Classification Scheme 2023. Collection method: clinical testing. Allele origin: germline.

NM_015425.6(POLR1A):c.876C>G (p.Phe292Leu)

Gene: POLR1A (RNA polymerase I subunit A; minus strand). Cytogenetic location: 2p11.2.
Variant type: single nucleotide variant.
Coding change: c.876C>G on transcript NM_015425.6 (MANE Select); coding-DNA position 876, C replaced by G.
Protein change: p.Phe292Leu; replaces phenylalanine 292 with leucine.
Molecular consequence: missense variant.
Genome position (GRCh38, 1-based): chr2:86,081,648, G>C on the plus strand (C>G on the coding strand, the complement: POLR1A is on the minus strand). VCF-style: chr2-86081648-G-C. GRCh37 (hg19) VCF-style: chr2-86308771-G-C.
Other names: c.876C>G (NM_015425.3); short protein forms F292L.
Identifiers: ClinVar variation 2084545 (VCV002084545.5), dbSNP rs753486574, ClinGen allele CA1746504.